The following is an entry in ClinVar:

NM_021098.3(CACNA1H):c.1175C>G (p.Ser392Ter)

Gene: CACNA1H (calcium voltage-gated channel subunit alpha1 H; plus strand). Cytogenetic location: 16p13.3.
Variant type: single nucleotide variant.
Coding change: c.1175C>G on transcript NM_021098.3 (MANE Select); coding-DNA position 1175, C replaced by G.
Protein change: p.Ser392Ter; replaces serine 392 with a stop codon.
Molecular consequence: nonsense.
Genome position (GRCh38, 1-based): chr16:1,200,771, C>G. VCF-style: chr16-1200771-C-G. GRCh37 (hg19) VCF-style: chr16-1250771-C-G.
Other names: c.1175C>G, p.Ser392Ter (NM_001005407.2); short protein forms S392*.
Identifiers: ClinVar variation 2053923 (VCV002053923.4), dbSNP rs2548636420, ClinGen allele CA394158389.
Genomic context (GRCh38, chr16:1,200,771, plus strand): 5'-CCCAGGTGATCACGCTGGAAGGCTGGGTGGACATCATGTACTACGTCATGGACGCCCACT[C>G]ATTCTACAACTTCATCTATTTCATCCTGCTCATCATCGTGAGTGTGGGCGGCAGTGTTCG-3'

ClinVar aggregate classification (germline): Uncertain significance (1 of 4 stars; one submission).

Conditions:
Hyperaldosteronism, familial, type IV (HALD4). Also called: FH IV; ALDOSTERONISM, PRIMARY, AND HYPERTENSION. Identifiers: Orphanet 642671, MedGen C4310756, MONDO:0014875, OMIM 617027.
Idiopathic generalized epilepsy. Also called: Generalised epilepsy; EIG. Identifiers: MedGen C0270850, MONDO:0005579, OMIM 600669.

Submission:

Labcorp Genetics (formerly Invitae), Labcorp
Classification: Uncertain significance for Idiopathic generalized epilepsy; Hyperaldosteronism, familial, type IV. Last evaluated: 2022-04-09. Review status: criteria provided, single submitter. Criteria: Invitae Variant Classification Sherloc (09022015). Collection method: clinical testing. Allele origin: germline.
Comment: In summary, the available evidence is currently insufficient to determine the role of this variant in disease. Therefore, it has been classified as a Variant of Uncertain Significance. This variant has not been reported in the literature in individuals affected with CACNA1H-related conditions. This variant is not present in population databases (gnomAD no frequency). This sequence change creates a premature translational stop signal (p.Ser392*) in the CACNA1H gene. It is expected to result in an absent or disrupted protein product. However, the current clinical and genetic evidence is not sufficient to establish whether loss-of-function variants in CACNA1H cause disease.